The following is an entry in ClinVar:

ClinVar aggregate classification (germline): Uncertain significance. Review status: criteria provided, multiple submitters, no conflicts (2 of 4 stars). 3 submissions from 3 submitters: Uncertain significance (2). 1 of the submissions does not count toward it. Last evaluated 2023-11-18.

Conditions:
GALNT12-related disorder. Also called: GALNT12-related condition.

Allele frequency attached by ClinVar (database versions not stated): gnomAD exomes below 0.00001; gnomAD 0.00001; TOPMed 0.00002.
gnomAD v4.1: 4 of 1,613,166 alleles (0.00025%); highest among the groups gnomAD compares: African/African-American, 0.0013%; no homozygotes.

Submissions (3):

Ambry Genetics
Classification: Uncertain significance. Last evaluated: 2023-11-18. Review status: criteria provided, single submitter. Criteria: Ambry Variant Classification Scheme 2023. Collection method: clinical testing. Allele origin: germline.
Comment: The p.D456E variant (also known as c.1368C>A), located in coding exon 8 of the GALNT12 gene, results from a C to A substitution at nucleotide position 1368. The aspartic acid at codon 456 is replaced by glutamic acid, an amino acid with highly similar properties. This amino acid position is conserved. In addition, this alteration is predicted to be tolerated by in silico analysis. Since supporting evidence is limited at this time, the clinical significance of this alteration remains unclear.

Labcorp Genetics (formerly Invitae), Labcorp
Classification: Uncertain significance. Last evaluated: 2022-04-21. Review status: criteria provided, single submitter. Criteria: Invitae Variant Classification Sherloc (09022015). Collection method: clinical testing. Allele origin: germline.
Comment: In summary, the available evidence is currently insufficient to determine the role of this variant in disease. Therefore, it has been classified as a Variant of Uncertain Significance. Algorithms developed to predict the effect of missense changes on protein structure and function output the following: SIFT: "Tolerated"; PolyPhen-2: "Benign"; Align-GVGD: "Class C0". The glutamic acid amino acid residue is found in multiple mammalian species, which suggests that this missense change does not adversely affect protein function. ClinVar contains an entry for this variant (Variation ID: 1042297). This variant has not been reported in the literature in individuals affected with GALNT12-related conditions. This variant is present in population databases (no rsID available, gnomAD 0.01%). This sequence change replaces aspartic acid, which is acidic and polar, with glutamic acid, which is acidic and polar, at codon 456 of the GALNT12 protein (p.Asp456Glu).

PreventionGenetics, part of Exact Sciences
Classification: Uncertain significance for GALNT12-related condition. Last evaluated: 2024-08-13. Review status: no assertion criteria provided. Collection method: clinical testing. Allele origin: germline. Not counted in ClinVar's aggregate classification.
Comment: The GALNT12 c.1368C>A variant is predicted to result in the amino acid substitution p.Asp456Glu. To our knowledge, this variant has not been reported in the literature. This variant is reported in 0.011% of alleles in individuals of African descent in gnomAD. This variant is interpreted as a variant of uncertain significance in ClinVar. At this time, the clinical significance of this variant is uncertain due to the absence of conclusive functional and genetic evidence.

NM_024642.5(GALNT12):c.1368C>A (p.Asp456Glu)

Gene: GALNT12 (polypeptide N-acetylgalactosaminyltransferase 12; plus strand). Cytogenetic location: 9q22.33.
Variant type: single nucleotide variant.
Coding change: c.1368C>A on transcript NM_024642.5 (MANE Select); coding-DNA position 1368, C replaced by A.
Protein change: p.Asp456Glu; replaces aspartic acid 456 with glutamic acid.
Molecular consequence: missense variant.
Genome position (GRCh38, 1-based): chr9:98,844,119, C>A. VCF-style: chr9-98844119-C-A. GRCh37 (hg19) VCF-style: chr9-101606401-C-A.
Other names: short protein forms D456E.
Identifiers: ClinVar variation 1042297 (VCV001042297.12), dbSNP rs1163186722, ClinGen allele CA374221353.